The following is an entry in ClinVar:

NM_001457.4(FLNB):c.5887+8A>G

Gene: FLNB (filamin B; plus strand). Cytogenetic location: 3p14.3.
Variant type: single nucleotide variant.
Coding change: c.5887+8A>G on transcript NM_001457.4 (MANE Select); 8 bases into the intron after coding-DNA position 5887, A replaced by G.
Molecular consequence: intron variant.
Genome position (GRCh38, 1-based): chr3:58,148,372, A>G. VCF-style: chr3-58148372-A-G. GRCh37 (hg19) VCF-style: chr3-58134099-A-G.
Other names: c.5980+8A>G (NM_001164317.2); c.5854+8A>G (NM_001164318.2); c.5815+8A>G (NM_001164319.2).
Identifiers: ClinVar variation 510996 (VCV000510996.37), dbSNP rs143066905, ClinGen allele CA2469183.

ClinVar aggregate classification (germline): Benign/Likely benign. Review status: criteria provided, multiple submitters, no conflicts (2 of 4 stars). 4 submissions from 4 submitters: Benign (1); Likely benign (3). Last evaluated 2026-01-22.

Conditions:
FLNB-Related Spectrum Disorders.

Allele frequency attached by ClinVar (database versions not stated): gnomAD exomes 0.00021 and 0.00070; gnomAD 0.00023 and 0.00036; TOPMed 0.00031; ExAC 0.00071; 1000 Genomes Project 30x 0.00187; 1000 Genomes Project 0.00200.
gnomAD v4.1: 380 of 1,612,672 alleles (0.024%); highest among the groups gnomAD compares: East Asian, 0.59%; 1 homozygote.

Submissions (4):

Labcorp Genetics (formerly Invitae), Labcorp
Classification: Benign. Last evaluated: 2026-01-22. Review status: criteria provided, single submitter. Criteria: Invitae Variant Classification Sherloc (09022015). Collection method: clinical testing. Allele origin: germline.

CeGaT Center for Human Genetics Tuebingen
Classification: Likely benign. Last evaluated: 2022-11-01. Review status: criteria provided, single submitter. Criteria: CeGaT Center For Human Genetics Tuebingen Variant Classification Criteria Version 2. Collection method: clinical testing. Allele origin: germline. Affected: yes. Observed: 1 variant allele.
Comment: FLNB: BP4, BS2

Illumina Laboratory Services, Illumina
Classification: Likely benign for FLNB-Related Spectrum Disorders. Last evaluated: 2018-01-13. Review status: criteria provided, single submitter. Criteria: ICSL Variant Classification Criteria 13 December 2019. Collection method: clinical testing. Allele origin: germline.
Comment: This variant was observed in the ICSL laboratory as part of a predisposition screen in an ostensibly healthy population. It had not been previously curated by ICSL or reported in the Human Gene Mutation Database (HGMD: prior to June 1st, 2018), and was therefore a candidate for classification through an automated scoring system. Utilizing variant allele frequency, disease prevalence and penetrance estimates, and inheritance mode, an automated score was calculated to assess if this variant is too frequent to cause the disease. Based on the score and internal cut-off values, a variant classified as likely benign is not then subjected to further curation. The score for this variant resulted in a classification of likely benign for this disease.

GeneDx
Classification: Likely benign. Last evaluated: 2017-07-20. Review status: criteria provided, single submitter. Criteria: GeneDx Variant Classification (06012015). Collection method: clinical testing. Allele origin: germline. Affected: yes.
Comment: This variant is considered likely benign or benign based on one or more of the following criteria: it is a conservative change, it occurs at a poorly conserved position in the protein, it is predicted to be benign by multiple in silico algorithms, and/or has population frequency not consistent with disease.